The following is an entry in ClinVar:

ClinVar aggregate classification (germline): Uncertain significance. Review status: criteria provided, multiple submitters, no conflicts (2 of 4 stars). 5 submissions from 5 submitters: Uncertain significance (5). Last evaluated 2026-04-17.

Conditions:
Cardiovascular phenotype. Identifiers: MedGen CN230736.
Arrhythmogenic right ventricular cardiomyopathy (ARVD). Also called: Cardiomyopathy, ARVC; Arrhythmogenic right ventricular dysplasia; Arrhythmogenic cardiomyopathy; Arrhythmogenic Right Ventricular Cardiomyopathy (ARVC). Identifiers: Orphanet 247, MedGen C0349788, MeSH D019571, MONDO:0016587. Disease mechanism: loss of function. Inheritance: Various modes of inheritance.
Cardiomyopathy (CMYO). Also called: Cardiomyopathies. Identifiers: Orphanet 167848, MedGen C0878544, MONDO:0004994, HP:0001638. Inheritance: Various modes of inheritance.
Arrhythmogenic right ventricular dysplasia 10. Also called: Arrhythmogenic Right Ventricular Dysplasia/Cardiomyopathy10; Arrhythmogenic right ventricular dysplasia/cardiomyopathy, type 10; ARRHYTHMOGENIC RIGHT VENTRICULAR DYSPLASIA, FAMILIAL, 10. Identifiers: MedGen C1857777, MONDO:0012434, OMIM 610193.

Allele frequency attached by ClinVar (database versions not stated): ExAC 0.00001; TOPMed 0.00002; gnomAD exomes below 0.00001 and 0.00003; gnomAD 0.00002.

Submissions (5):

Ambry Genetics
Classification: Uncertain significance for Cardiovascular phenotype. Last evaluated: 2026-04-17. Review status: criteria provided, single submitter. Criteria: Ambry Variant Classification Scheme 2023. Collection method: clinical testing. Allele origin: germline.
Comment: The p.T325A variant (also known as c.973A>G), located in coding exon 8 of the DSG2 gene, results from an A to G substitution at nucleotide position 973. The threonine at codon 325 is replaced by alanine, an amino acid with similar properties. This variant was reported in individual(s) with features consistent with cardiomyopathy (Akinrinade O et al. J Cardiovasc Transl Res, 2023 Dec;16:1287-1302). This amino acid position is highly conserved in available vertebrate species. In addition, the in silico prediction for this alteration is inconclusive. Based on the available evidence, the clinical significance of this variant remains unclear.

Labcorp Genetics (formerly Invitae), Labcorp
Classification: Uncertain significance for Arrhythmogenic right ventricular dysplasia 10. Last evaluated: 2026-01-11. Review status: criteria provided, single submitter. Criteria: Invitae Variant Classification Sherloc (09022015). Collection method: clinical testing. Allele origin: germline.
Comment: This sequence change replaces threonine, which is neutral and polar, with alanine, which is neutral and non-polar, at codon 325 of the DSG2 protein (p.Thr325Ala). This variant is present in population databases (rs745763739, gnomAD 0.0009%). This variant has not been reported in the literature in individuals affected with DSG2-related conditions. ClinVar contains an entry for this variant (Variation ID: 451056). Invitae Evidence Modeling of protein sequence and biophysical properties (such as structural, functional, and spatial information, amino acid conservation, physicochemical variation, residue mobility, and thermodynamic stability) has been performed for this missense variant. However, the output from this modeling did not meet the statistical confidence thresholds required to predict the impact of this variant on DSG2 protein function. In summary, the available evidence is currently insufficient to determine the role of this variant in disease. Therefore, it has been classified as a Variant of Uncertain Significance.

All of Us Research Program, National Institutes of Health
Classification: Uncertain significance for Arrhythmogenic right ventricular cardiomyopathy. Last evaluated: 2024-07-20. Review status: criteria provided, single submitter. Criteria: ACMG Guidelines, 2015. Collection method: clinical testing. Allele origin: germline. Inheritance: Autosomal dominant inheritance. Observed: 3 variant alleles, 3 heterozygotes.
Comment: This missense variant replaces threonine with alanine at codon 325 of the DSG2 protein. Computational prediction suggests that this variant may not impact protein structure and function (internally defined REVEL score threshold <= 0.5, PMID: 27666373). To our knowledge, functional studies have not been reported for this variant. This variant has not been reported in individuals affected with cardiovascular disorders in the literature. This variant has been identified in 1/249424 chromosomes in the general population by the Genome Aggregation Database (gnomAD). The available evidence is insufficient to determine the role of this variant in disease conclusively. Therefore, this variant is classified as a Variant of Uncertain Significance.

This study involves interpretation of variants in research participants for the purpose of population health screening. Participant phenotype was not available at the time of variant classification. Additional details can be found in publication PMID: 35346344, PMCID: PMC8962531

Color Diagnostics, LLC DBA Color Health
Classification: Uncertain significance for Cardiomyopathy. Last evaluated: 2024-07-03. Review status: criteria provided, single submitter. Criteria: ACMG Guidelines, 2015. Collection method: clinical testing. Allele origin: germline.
Comment: This missense variant replaces threonine with alanine at codon 325 of the DSG2 protein. Computational prediction suggests that this variant may not impact protein structure and function. To our knowledge, functional studies have not been reported for this variant. This variant has not been reported in individuals affected with DSG2-related disorders in the literature. This variant has been identified in 1/249424 chromosomes in the general population by the Genome Aggregation Database (gnomAD). The available evidence is insufficient to determine the role of this variant in disease conclusively. Therefore, this variant is classified as a Variant of Uncertain Significance.

GeneDx
Classification: Uncertain significance. Last evaluated: 2018-03-08. Review status: criteria provided, single submitter. Criteria: GeneDx Variant Classification (06012015). Collection method: clinical testing. Allele origin: germline. Affected: yes.
Comment: The T325A variant of uncertain significance in the DSG2 gene has not been published as pathogenic or been reported as benign to our knowledge. This variant is not observed at a significant frequency in large population cohorts (Lek et al., 2016). The T325A variant is a non-conservative amino acid substitution, which is likely to impact secondary protein structure as these residues differ in polarity, charge, size and/or other properties. In-silico analyses, including protein predictors and evolutionary conservation, support a deleterious effect. However, this variant lacks observation in a significant number of affected individuals, segregation data, and functional evidence, which would further clarify its pathogenicity.

Literature cited by the submitters: PubMed 37477868 (cited by Ambry Genetics).

NM_001943.5(DSG2):c.973A>G (p.Thr325Ala)

Gene: DSG2 (desmoglein 2; plus strand). Cytogenetic location: 18q12.1.
Variant type: single nucleotide variant.
Coding change: c.973A>G on transcript NM_001943.5 (MANE Select); coding-DNA position 973, A replaced by G.
Protein change: p.Thr325Ala; replaces threonine 325 with alanine.
Molecular consequence: missense variant.
Genome position (GRCh38, 1-based): chr18:31,524,847, A>G. VCF-style: chr18-31524847-A-G. GRCh37 (hg19) VCF-style: chr18-29104810-A-G.
Other names: c.973A>G (LRG_397t1); short protein forms T325A.
Identifiers: ClinVar variation 451056 (VCV000451056.7), dbSNP rs745763739, ClinGen allele CA050566.
Genomic context (GRCh38, chr18:31,524,847, plus strand): 5'-AATTGGCTGGCAAATTTTACATTTGCATCAGGAAATGAAGGAGGTTATTTCCACATAGAA[A>G]CAGATGCTCAAACTAACGAAGGAATTGTGACCCTTATTAAGGTAAGTACTAAGTATTCAA-3'
Protein context (NP_001934.2, residues 315-335): GNEGGYFHIE[Thr325Ala]DAQTNEGIVT